The following is an entry in ClinVar:

NM_032578.4(MYPN):c.2926-199del

Gene: MYPN (myopalladin; plus strand). Cytogenetic location: 10q21.3.
Variant type: Deletion.
Coding change: c.2926-199del on transcript NM_032578.4 (MANE Select); 199 bases into the intron before coding-DNA position 2926, one base deleted (T; older notation c.2926-199delT).
Molecular consequence: intron variant.
Genome position (GRCh38, 1-based): chr10:68,194,164, T deleted; the last of 2 consecutive T bases (chr10:68,194,163-68,194,164); deleting either gives the same sequence. VCF-style (leftmost placement, unchanged base first): chr10-68194162-AT-A. GRCh37 (hg19) VCF-style: chr10-69953919-AT-A.
Other names: c.2926-199del (NM_001256267.2); c.2044-199del (NM_001256268.2).
Identifiers: ClinVar variation 1683966 (VCV001683966.2), dbSNP rs144455679, ClinGen allele CA208221511.

ClinVar aggregate classification (germline): Likely benign (1 of 4 stars; one submission).

Submission:

GeneDx
Classification: Likely benign. Last evaluated: 2020-10-16. Review status: criteria provided, single submitter. Criteria: GeneDx Variant Classification Process June 2021. Collection method: clinical testing. Allele origin: germline. Affected: yes.
Comment: See Variant Classification Assertion Criteria.